The following is an entry in ClinVar:

ClinVar aggregate classification (germline): Uncertain significance (1 of 4 stars; one submission).

Conditions:
Inborn genetic diseases. Identifiers: MedGen C0950123, MeSH D030342.

Allele frequency attached by ClinVar (database versions not stated): TOPMed below 0.00001; gnomAD 0.00001.
gnomAD v4.1: 4 of 1,607,642 alleles (0.00025%); highest among the groups gnomAD compares: Non-Finnish European, 0.00034%; no homozygotes.

Submission:

Ambry Genetics
Classification: Uncertain significance for Inborn genetic diseases. Last evaluated: 2024-03-13. Review status: criteria provided, single submitter. Criteria: Ambry Variant Classification Scheme 2023. Collection method: clinical testing. Allele origin: germline.
Comment: The p.M736I variant (also known as c.2208G>A), located in coding exon 14 of the EPAS1 gene, results from a G to A substitution at nucleotide position 2208. The methionine at codon 736 is replaced by isoleucine, an amino acid with highly similar properties. This amino acid position is conserved. In addition, this alteration is predicted to be tolerated by in silico analysis. Since supporting evidence is limited at this time, the clinical significance of this alteration remains unclear.

NM_001430.5(EPAS1):c.2208G>A (p.Met736Ile)

Gene: EPAS1 (endothelial PAS domain protein 1; plus strand). Cytogenetic location: 2p21.
Variant type: single nucleotide variant.
Coding change: c.2208G>A on transcript NM_001430.5 (MANE Select); coding-DNA position 2208, G replaced by A.
Protein change: p.Met736Ile; replaces methionine 736 with isoleucine.
Molecular consequence: missense variant.
Genome position (GRCh38, 1-based): chr2:46,382,010, G>A. VCF-style: chr2-46382010-G-A. GRCh37 (hg19) VCF-style: chr2-46609149-G-A.
Other names: short protein forms M736I.
Identifiers: ClinVar variation 1787721 (VCV001787721.2), dbSNP rs1260858568, ClinGen allele CA346705766.